The following is an entry in ClinVar:

NM_001384125.1(BLTP1):c.4538T>C (p.Ile1513Thr)

Gene: BLTP1 (bridge-like lipid transfer protein family member 1; plus strand). Cytogenetic location: 4q27.
Variant type: single nucleotide variant.
Coding change: c.4538T>C on transcript NM_001384125.1 (MANE Select); coding-DNA position 4538, T replaced by C.
Protein change: p.Ile1513Thr; replaces isoleucine 1513 with threonine.
Molecular consequence: missense variant.
Genome position (GRCh38, 1-based): chr4:122,240,220, T>C. VCF-style: chr4-122240220-T-C. GRCh37 (hg19) VCF-style: chr4-123161375-T-C.
Other names: c.4538T>C, p.Ile1513Thr (NM_015312.4); short protein forms I1513T.
Identifiers: ClinVar variation 1033764 (VCV001033764.5), dbSNP rs111840903, ClinGen allele CA3066357.

ClinVar aggregate classification (germline): Conflicting classifications of pathogenicity. Review status: criteria provided, conflicting classifications (1 of 4 stars). 4 submissions from 4 submitters: Uncertain significance (2); Likely benign (1). 1 of the submissions does not count toward it. Last evaluated 2024-10-08.

Conditions:
BLTP1-related disorder. Also called: BLTP1-related condition.
Alkuraya-Kucinskas syndrome. Identifiers: Orphanet 610569, MedGen C4693347, MONDO:0060631, OMIM 617822.

Allele frequency attached by ClinVar (database versions not stated): gnomAD exomes 0.00022 and 0.00057; ExAC 0.00068; 1000 Genomes Project 0.00200; 1000 Genomes Project 30x 0.00203; gnomAD 0.00204 and 0.00224; ESP Exome Variant Server 0.00217; TOPMed 0.00232.
gnomAD v4.1: 635 of 1,614,162 alleles (0.039%); highest among the groups gnomAD compares: African/African-American, 0.74%; 2 homozygotes.

Submissions (4):

Ambry Genetics
Classification: Likely benign. Last evaluated: 2024-10-08. Review status: criteria provided, single submitter. Criteria: Ambry Variant Classification Scheme 2023. Collection method: clinical testing. Allele origin: germline.

Baylor Genetics
Classification: Uncertain significance for Alkuraya-Kucinskas syndrome. Last evaluated: 2018-03-21. Review status: criteria provided, single submitter. Criteria: ACMG Guidelines, 2015. Collection method: clinical testing. Allele origin: paternal. Affected: yes.
Comment: This variant was determined to be of uncertain significance according to ACMG Guidelines, 2015 [PMID:25741868].

Breakthrough Genomics
Classification: Uncertain significance. Review status: criteria provided, single submitter. Criteria: ACMG Guidelines, 2015. Collection method: not provided. Allele origin: germline. Inheritance: Unknown mechanism. Affected: yes.

PreventionGenetics, part of Exact Sciences
Classification: Likely benign for BLTP1-related condition. Last evaluated: 2023-08-04. Review status: no assertion criteria provided. Collection method: clinical testing. Allele origin: germline. Not counted in ClinVar's aggregate classification.
Comment: This variant is classified as likely benign based on ACMG/AMP sequence variant interpretation guidelines (Richards et al. 2015 PMID: 25741868, with internal and published modifications).